The following is an entry in ClinVar:

NM_000152.5(GAA):c.2395C>T (p.His799Tyr)

Gene: GAA (alpha glucosidase; plus strand). Cytogenetic location: 17q25.3.
Variant type: single nucleotide variant.
Coding change: c.2395C>T on transcript NM_000152.5 (MANE Select); coding-DNA position 2395, C replaced by T.
Protein change: p.His799Tyr; replaces histidine 799 with tyrosine.
Molecular consequence: missense variant.
Genome position (GRCh38, 1-based): chr17:80,117,663, C>T. VCF-style: chr17-80117663-C-T. GRCh37 (hg19) VCF-style: chr17-78091462-C-T.
Other names: NM_000152.5(GAA):c.2395C>T; c.2395C>T, p.His799Tyr (NM_001079803.3, NM_001079804.3); c.2395C>T (NM_000152.4, LRG_673t1); short protein forms H799Y.
Identifiers: ClinVar variation 284886 (VCV000284886.28), dbSNP rs143347747, ClinGen allele CA8815726.

ClinVar aggregate classification (germline): Uncertain significance. Review status: reviewed by expert panel (3 of 4 stars). 14 submissions from 14 submitters: Uncertain significance (1). 13 of the submissions do not count toward it. Last evaluated 2023-09-05.

Conditions:
Glycogen storage disease, type II (IOPD). Also called: GLYCOGENOSIS, GENERALIZED, CARDIAC FORM; GSD II; Glycogen storage disease type 2; Acid maltase deficiency disease; Aglucosidase alfa; Deficiency of alpha-glucosidase. Identifiers: Orphanet 365, MedGen C0017921, MONDO:0009290, OMIM 232300.
Cardiovascular phenotype. Identifiers: MedGen CN230736.

Allele frequency attached by ClinVar (database versions not stated): gnomAD exomes 0.00001 and 0.00004; ExAC 0.00003; 1000 Genomes Project 30x 0.00016; gnomAD 0.00018 and 0.00019; 1000 Genomes Project 0.00020; ESP Exome Variant Server 0.00023; TOPMed 0.00029.
gnomAD v4.1: 42 of 1,612,906 alleles (0.0026%); highest among the groups gnomAD compares: Admixed American, 0.032%; no homozygotes.

Submissions (14):

ClinGen Lysosomal Storage Disorder Variant Curation Expert Panel
Classification: Uncertain significance for Glycogen storage disease, type II. Last evaluated: 2023-09-05. Review status: reviewed by expert panel. Criteria: clingen_lsd_acmg_specifications_v2-1. Collection method: curation. Allele origin: germline. Inheritance: Autosomal recessive inheritance.
Comment: The NM_000152.5:c.2395C>T variant in GAA is a missense variant predicted to cause substitution of His by Tyr at amino acid 799 (p.His799Tyr). The highest population minor allele frequency in gnomAD v2.1.1 is 0.00038 (6/15954 alleles) in the African population, which is lower than the ClinGen LD VCEP’s threshold for PM2_Supporting (<0.001), meeting this criterion (PM2_Supporting). The computational predictor REVEL gives a score of 0.443 which is below the threshold of 0.5, evidence that does not predict a damaging effect on GAA function (BP4). It only has been reported in one case as LOPD, in which has unknown phase concurrence in compound heterozygous with c.-32-13T>G (PMID: 22958975). Thus met PM3_supporting. The LOPD case has been reported to have GAA residue level 0.25 (normal cutoff unknown. But average of 20 LOPD patients is 8.35, so <10% of normal mean control level). Thus PP4_moderate is applied. There is a ClinVar entry for this variant (Variation ID: 284886, 2 star review status) with 8 submitters classifying the variant as Uncertain significance with no conflicts. In summary, this variant meets the criteria to be classified as Uncertain significance for Pompe disease based on the ACMG/AMP criteria applied, as specified by the ClinGen Lysosomal Diseases Variant Curation Expert panel (Specifications Version 2.0): PM2_supporting, PP4_moderate, PM3_supporting, BP4. (Classification approved by the ClinGen Lysosomal Diseases VCEP, September 5, 2023)

Genomenon, Inc
Classification: Uncertain significance for Glycogen storage disease, type II. Last evaluated: 2026-07-01. Review status: criteria provided, single submitter. Criteria: Genomenon Sequence Variant Interpretation Standards - Updated. Collection method: curation. Allele origin: germline. Affected: yes. Not counted in ClinVar's aggregate classification.
Comment: GAA p.His799Tyr (c.2395C>T) is a missense variant that changes the amino acid at codon 799 from Histidine to Tyrosine. This variant has been observed in at least one proband with a GAA-related disorder in the compound heterozygous and/or homozygous state (PMID:22958975). It is absent or not present at a significant frequency in gnomAD. In silico models predict that this variant is not damaging. In conclusion, we classify GAA p.His799Tyr (c.2395C>T) as a variant of uncertain significance.

GeneDx
Classification: Uncertain significance. Last evaluated: 2026-03-11. Review status: criteria provided, single submitter. Criteria: GeneDx Variant Classification Process June 2021. Collection method: clinical testing. Allele origin: germline. Not counted in ClinVar's aggregate classification.
Comment: Identified in at least one patient with late-onset Pompe disease who also harbored a pathogenic GAA variant (PMID: 22958975, 25673129, 32162165); In silico analysis suggests that this missense variant does not alter protein structure/function; This variant is associated with the following publications: (PMID: 19343043, 22253258, 32162165, 25673129, 39678382, 22958975)

Labcorp Genetics (formerly Invitae), Labcorp
Classification: Uncertain significance for Glycogen storage disease, type II. Last evaluated: 2026-01-17. Review status: criteria provided, single submitter. Criteria: Invitae Variant Classification Sherloc (09022015). Collection method: clinical testing. Allele origin: germline. Not counted in ClinVar's aggregate classification.
Comment: This sequence change replaces histidine, which is basic and polar, with tyrosine, which is neutral and polar, at codon 799 of the GAA protein (p.His799Tyr). This variant is present in population databases (rs143347747, gnomAD 0.03%). This missense change has been observed in individual(s) with GAA-related conditions and/or Pompe disease (PMID: 22958975, 39678382). ClinVar contains an entry for this variant (Variation ID: 284886). Invitae Evidence Modeling of protein sequence and biophysical properties (such as structural, functional, and spatial information, amino acid conservation, physicochemical variation, residue mobility, and thermodynamic stability) indicates that this missense variant is not expected to disrupt GAA protein function with a negative predictive value of 95%. In summary, the available evidence is currently insufficient to determine the role of this variant in disease. Therefore, it has been classified as a Variant of Uncertain Significance.

Revvity Omics, Revvity
Classification: Uncertain significance. Last evaluated: 2025-03-19. Review status: criteria provided, single submitter. Criteria: ACMG Guidelines, 2015. Collection method: clinical testing. Allele origin: germline. Not counted in ClinVar's aggregate classification.

Ambry Genetics
Classification: Uncertain significance for Cardiovascular phenotype. Last evaluated: 2024-07-01. Review status: criteria provided, single submitter. Criteria: Ambry Variant Classification Scheme 2023. Collection method: clinical testing. Allele origin: germline. Not counted in ClinVar's aggregate classification.
Comment: The p.H799Y variant (also known as c.2395C>T), located in coding exon 16 of the GAA gene, results from a C to T substitution at nucleotide position 2395. The histidine at codon 799 is replaced by tyrosine, an amino acid with similar properties. This variant has been detected in an individual with late onset Pompe disease; however, this individual also had two additional variants in the GAA gene (phase unknown) (Musumeci O et al. Mol Genet Metab, 2012 Nov;107:480-4; Montagnese F et al. J Neurol, 2015 Feb;262:968-78). This amino acid position is not well conserved in available vertebrate species. In addition, the in silico prediction for this alteration is inconclusive. Based on the available evidence, the clinical significance of this variant remains unclear.

Fulgent Genetics
Classification: Uncertain significance for Glycogen storage disease, type II. Last evaluated: 2024-05-29. Review status: criteria provided, single submitter. Criteria: ACMG Guidelines, 2015. Collection method: clinical testing. Allele origin: germline. Not counted in ClinVar's aggregate classification.

Blueprint Genetics
Classification: Uncertain significance. Last evaluated: 2024-01-23. Review status: criteria provided, single submitter. Criteria: ACMG Guidelines, 2015. Collection method: clinical testing. Allele origin: germline. Not counted in ClinVar's aggregate classification.

Mendelics
Classification: Uncertain significance for Glycogen storage disease, type II. Last evaluated: 2023-05-07. Review status: criteria provided, single submitter. Criteria: Mendelics Assertion Criteria 2017. Collection method: clinical testing. Allele origin: unknown. Not counted in ClinVar's aggregate classification.

Women's Health and Genetics/Laboratory Corporation of America, LabCorp
Classification: Uncertain significance. Last evaluated: 2022-04-01. Review status: criteria provided, single submitter. Criteria: LabCorp Variant Classification Summary - May 2015. Collection method: clinical testing. Allele origin: germline. Not counted in ClinVar's aggregate classification.
Comment: Variant summary: GAA c.2395C>T (p.His799Tyr) results in a conservative amino acid change in the encoded protein sequence. Five of five in-silico tools predict a benign effect of the variant on protein function. The variant allele was found at a frequency of 0.00019 in 150978 control chromosomes, predominantly within the Latino and African subpopulations at a frequency of 0.00092 and 0.00031, respectively, in the gnomAD database (v3.1 genomes dataset). These frequencies are not significantly higher than the estimated maximum expected for a pathogenic variant in GAA causing Glycogen Storage Disease, Type 2 (Pompe Disease) (0.0042), allowing no conclusion about variant significance. The variant, c.2395C>T, has been reported in the literature in a compound heterozygote individual affected with the late form of Glycogen Storage Disease Type 2 (Pompe Disease) (Musumeci_2012), however, in a later report this patient was noted to carry two co-occurring (potentially) pathogenic variants, which could explain the phenotype, although the phase of the three variants was not specified (Montagnese_2015). These reports do not provide unequivocal conclusions about association of the variant with Glycogen Storage Disease, Type 2 (Pompe Disease). To our knowledge, no experimental evidence demonstrating an impact on protein function has been reported. Six clinical diagnostic laboratories have submitted clinical-significance assessments for this variant to ClinVar after 2014, and all classified the variant as VUS. Based on the evidence outlined above, the variant was classified as uncertain significance.

Genome-Nilou Lab
Classification: Uncertain significance for Glycogen storage disease, type II. Last evaluated: 2021-07-22. Review status: criteria provided, single submitter. Criteria: ACMG Guidelines, 2015. Collection method: clinical testing. Allele origin: germline. Affected: no. Not counted in ClinVar's aggregate classification.

Broad Center for Mendelian Genomics, Broad Institute of MIT and Harvard
Classification: Uncertain significance for Glycogen storage disease, type II. Last evaluated: 2020-01-22. Review status: criteria provided, single submitter. Criteria: ACMG Guidelines, 2015. Collection method: curation. Allele origin: germline. Inheritance: Autosomal recessive inheritance. Not counted in ClinVar's aggregate classification.
Comment: The p.His799Tyr variant in GAA has not been previously reported in individuals with Glycogen Storage Disease II but has been identified in 0.038% (6/15954) of African chromosomes, 0.006% (2/34532) of Latino chromosomes, and 0.005% (1/18354) of East Asian chromosomes by the Genome Aggregation Database (gnomAD; dbSNP rs143347747). Although this variant has been seen in the general population, its frequency is low enough to be consistent with a recessive carrier frequency. This variant has also been reported as a VUS by EGL Genetic Diagnostics and Invitae in ClinVar (Variation ID: 284886). Computational prediction tools, including splice predictors, and conservation analyses suggest that this variant may not impact the protein, though this information is not predictive enough to rule out pathogenicity. The Histidine (His) at position 799 is not highly conserved in mammals and evolutionary distant species, and 5 species (nile tilapia, princess of Burundi, burton's mouthbreather, zebra mbuna, pundamilia nyererei) carry a Tyrosine (Tyr), raising the possibility that this change at this position may be tolerated. In summary, the clinical significance of the p.His799Tyr variant is uncertain. ACMG/AMP Criteria applied: PM2, BP4 (Richards 2015).

Eurofins Ntd Llc (ga)
Classification: Uncertain significance. Last evaluated: 2015-12-31. Review status: criteria provided, single submitter. Criteria: EGL Classification Definitions 2015. Collection method: clinical testing. Allele origin: germline. Observed: 1 variant allele, 1 heterozygote. Not counted in ClinVar's aggregate classification.

Natera, Inc.
Classification: Uncertain significance for Glycogen storage disease type II. Last evaluated: 2020-09-16. Review status: no assertion criteria provided. Collection method: clinical testing. Allele origin: germline. Not counted in ClinVar's aggregate classification.

Literature cited by the submitters: PubMed 22958975 (cited by 4 submitters); PubMed 39678382 (cited by Labcorp Genetics (formerly Invitae), Labcorp); PubMed 25673129 (cited by Ambry Genetics and Women's Health and Genetics/Laboratory Corporation of America, LabCorp); PubMed 33560568 (cited by Women's Health and Genetics/Laboratory Corporation of America, LabCorp).